The following is an entry in ClinVar:

ClinVar aggregate classification (germline): Uncertain significance (1 of 4 stars; one submission).

Allele frequency attached by ClinVar (database versions not stated): gnomAD exomes below 0.00001.

Submission:

GeneDx
Classification: Uncertain significance. Last evaluated: 2022-08-24. Review status: criteria provided, single submitter. Criteria: GeneDx Variant Classification Process June 2021. Collection method: clinical testing. Allele origin: germline. Affected: yes.
Comment: Not observed at significant frequency in large population cohorts (gnomAD); In silico analysis supports that this missense variant does not alter protein structure/function; Has not been previously published as pathogenic or benign to our knowledge

NM_001042702.5(PJVK):c.560T>C (p.Met187Thr)

Gene: PJVK (pejvakin; plus strand). Cytogenetic location: 2q31.2.
Variant type: single nucleotide variant.
Coding change: c.560T>C on transcript NM_001042702.5 (MANE Select); coding-DNA position 560, T replaced by C.
Protein change: p.Met187Thr; replaces methionine 187 with threonine.
Molecular consequence: missense variant.
Genome position (GRCh38, 1-based): chr2:178,458,520, T>C. VCF-style: chr2-178458520-T-C. GRCh37 (hg19) VCF-style: chr2-179323247-T-C.
Other names: c.569T>C, p.Met190Thr (NM_001353775.2); c.665T>C, p.Met222Thr (NM_001353776.2); c.83T>C, p.Met28Thr (NM_001353777.1, NM_001353778.2); c.560T>C, p.Met187Thr (NM_001369912.1); short protein forms M187T, M190T, M222T, M28T.
Identifiers: ClinVar variation 1704165 (VCV001704165.2), dbSNP rs2468723874, ClinGen allele CA349400267.
Genomic context (GRCh38, chr2:178,458,520, plus strand): 5'-ATCCTTACATGTTATGATCCTTAATTATGTTATTTATTTATTCAATATAGTTTCACTTTA[T>C]GGATGAACAGAATCCCAAGGGAAGGGACAAAGCTATTGTTTTCCCAGCACATACAACCAT-3'
Protein context (NP_001036167.1, residues 177-197): IRGEAMRFHF[Met187Thr]DEQNPKGRDK